The following is an entry in ClinVar:

NM_001009944.3(PKD1):c.8993A>C (p.His2998Pro)

Gene: PKD1 (polycystin 1, transient receptor potential channel interacting; minus strand). Cytogenetic location: 16p13.3.
Variant type: single nucleotide variant.
Coding change: c.8993A>C on transcript NM_001009944.3 (MANE Select); coding-DNA position 8993, A replaced by C.
Protein change: p.His2998Pro; replaces histidine 2998 with proline.
Molecular consequence: missense variant.
Genome position (GRCh38, 1-based): chr16:2,102,589, T>G on the plus strand (A>C on the coding strand, the complement: PKD1 is on the minus strand). VCF-style: chr16-2102589-T-G. GRCh37 (hg19) VCF-style: chr16-2152590-T-G.
Other names: c.8993A>C, p.His2998Pro (NM_000296.4); short protein forms H2998P.
Identifiers: ClinVar variation 3066147 (VCV003066147.1), dbSNP rs2092140615, ClinGen allele CA394361017.

ClinVar aggregate classification (germline): Uncertain significance (1 of 4 stars; one submission).

Conditions:
Polycystic kidney disease, adult type (PKD1). Also called: Polycystic Kidney, Autosomal Dominant; POLYCYSTIC KIDNEY DISEASE 1 WITH OR WITHOUT POLYCYSTIC LIVER DISEASE; Polycystic Kidney Disease 1, Autosomal Dominant; Polycystic kidney disease 1; Polycystic kidney disease 1, severe; POLYCYSTIC KIDNEY DISEASE, ADULT, TYPE I. Identifiers: MedGen C3149841, MONDO:0008263, OMIM 173900.

Submission:

MVZ Medizinische Genetik Mainz
Classification: Uncertain significance for Polycystic kidney disease, adult type. Last evaluated: 2022-11-16. Review status: criteria provided, single submitter. Criteria: UK Practice Guidelines For Variant Classification V4 01 2020. Collection method: clinical testing. Allele origin: germline. Inheritance: Autosomal dominant inheritance. Affected: yes. Observed: 1 variant allele.
Comment: ACMG Criteria: PM2_SUP, PP4, BP4 (ACMG Version 4)